The following is an entry in ClinVar:

ClinVar aggregate classification (germline): Likely pathogenic. Review status: criteria provided, single submitter (1 of 4 stars). 2 submissions from 2 submitters: Likely pathogenic (1). 1 of the submissions does not count toward it. Last evaluated 2025-03-04.

Conditions:
Gaucher disease. Also called: Acute cerebral Gaucher disease; Cerebroside lipidosis syndrome; Gaucher splenomegaly; Sphingolipidosis 1; Glucocerebrosidosis; Glucosylceramidase deficiency. Identifiers: Orphanet 355, MedGen C0017205, MONDO:0018150.
Gaucher disease type I (GD1). Also called: GAUCHER DISEASE, NONCEREBRAL JUVENILE; GBA DEFICIENCY; GD I; GLUCOCEREBROSIDASE DEFICIENCY; Type 1 Gaucher Disease; GD 1. Identifiers: Orphanet 355, Orphanet 77259, MedGen C1961835, MONDO:0009265, OMIM 230800.

Submissions (2):

Natera, Inc.
Classification: Likely pathogenic for Gaucher disease. Last evaluated: 2025-03-04. Review status: criteria provided, single submitter. Criteria: Natera Variant Classification Schema (03/2026). Collection method: clinical testing. Allele origin: germline.
Comment: The c.1177C>G variant in GBA1 is a missense variant predicted to cause substitution of leucine to valine at amino acid 393. This variant is rare in the general population with a frequency below the threshold expected for the associated phenotype(s). This variant has been observed in one or more individuals affected with the associated recessive disease, as either homozygous or compound heterozygous with a second variant (PMID: 30764785, 34282371, 18586596). Computational prediction algorithms indicate this variant is likely to affect gene or protein function. Given the available evidence, this variant is classified as Likely Pathogenic.

Foundation for Research in Genetics and Endocrinology, FRIGE's Institute of Human Genetics
Classification: Likely pathogenic for Gaucher disease type I. Last evaluated: 2013-07-01. Review status: no assertion criteria provided. Collection method: research. Allele origin: germline. Inheritance: Autosomal recessive inheritance. Affected: yes. Observed: 1 homozygote. Not counted in ClinVar's aggregate classification.
Comment: Variant c.1177C>G/p.L393V (ENST00000368373) was found to be pathogenic by online software like Mutation Taster, SIFT and Polyphen-2.

Literature cited by the submitters: PubMed 30764785 (cited by Natera, Inc.); PubMed 34282371 (cited by Natera, Inc.); PubMed 18586596 (cited by Natera, Inc.).

NM_000157.4(GBA1):c.1177C>G (p.Leu393Val)

Genes: GBA1 (glucosylceramidase beta 1; minus strand), LOC106627981 (GBA recombination region; plus strand). Cytogenetic location: 1q22.
Variant type: single nucleotide variant.
Coding change: c.1177C>G on transcript NM_000157.4 (MANE Select); coding-DNA position 1177, C replaced by G.
Protein change: p.Leu393Val; replaces leucine 393 with valine.
Molecular consequence: missense variant.
Genome position (GRCh38, 1-based): chr1:155,236,292, G>C on the plus strand (C>G on the coding strand, the complement: GBA1 is on the minus strand). VCF-style: chr1-155236292-G-C. GRCh37 (hg19) VCF-style: chr1-155206083-G-C.
Other names: c.1177C>G, p.Leu393Val (NM_001005741.3, NM_001005742.3); c.916C>G, p.Leu306Val (NM_001171811.2); c.1030C>G, p.Leu344Val (NM_001171812.2); short protein forms L393V, L306V, L344V.
Identifiers: ClinVar variation 236400 (VCV000236400.4), dbSNP rs878853315, ClinGen allele CA10581618.